The following is an entry in ClinVar:

ClinVar aggregate classification (germline): Uncertain significance (1 of 4 stars; one submission).

Allele frequency attached by ClinVar (database versions not stated): gnomAD exomes below 0.00001.
gnomAD v4.1: 3 of 1,472,628 alleles (0.0002%); highest among the groups gnomAD compares: Admixed American, 0.0025%; no homozygotes.

Submission:

Labcorp Genetics (formerly Invitae), Labcorp
Classification: Uncertain significance. Last evaluated: 2025-04-09. Review status: criteria provided, single submitter. Criteria: Invitae Variant Classification Sherloc (09022015). Collection method: clinical testing. Allele origin: germline.
Comment: This sequence change replaces alanine, which is neutral and non-polar, with serine, which is neutral and polar, at codon 40 of the P4HB protein (p.Ala40Ser). The frequency data for this variant in the population databases is considered unreliable, as metrics indicate poor data quality at this position in the gnomAD database. This missense change has been observed in individual(s) with clinical features of osteogenesis imperfecta (internal data). ClinVar contains an entry for this variant (Variation ID: 2114549). Invitae Evidence Modeling of protein sequence and biophysical properties (such as structural, functional, and spatial information, amino acid conservation, physicochemical variation, residue mobility, and thermodynamic stability) indicates that this missense variant is not expected to disrupt P4HB protein function with a negative predictive value of 80%. In summary, the available evidence is currently insufficient to determine the role of this variant in disease. Therefore, it has been classified as a Variant of Uncertain Significance.

NM_000918.4(P4HB):c.118G>T (p.Ala40Ser)

Gene: P4HB (prolyl 4-hydroxylase subunit beta; minus strand). Cytogenetic location: 17q25.3.
Variant type: single nucleotide variant.
Coding change: c.118G>T on transcript NM_000918.4 (MANE Select); coding-DNA position 118, G replaced by T.
Protein change: p.Ala40Ser; replaces alanine 40 with serine.
Molecular consequence: missense variant.
Genome position (GRCh38, 1-based): chr17:81,860,354, C>A on the plus strand (G>T on the coding strand, the complement: P4HB is on the minus strand). VCF-style: chr17-81860354-C-A. GRCh37 (hg19) VCF-style: chr17-79818230-C-A.
Other names: short protein forms A40S.
Identifiers: ClinVar variation 2114549 (VCV002114549.4), dbSNP rs1228861837, ClinGen allele CA401518509.